The following is an entry in ClinVar:

NM_032119.4(ADGRV1):c.8127A>G (p.Thr2709=)

Gene: ADGRV1 (adhesion G protein-coupled receptor V1; plus strand). Cytogenetic location: 5q14.3.
Variant type: single nucleotide variant.
Coding change: c.8127A>G on transcript NM_032119.4 (MANE Select); coding-DNA position 8127, A replaced by G.
Protein change: p.Thr2709=; no amino-acid change (threonine 2709 retained).
Molecular consequence: synonymous variant. On other transcripts: non-coding transcript variant (1).
Genome position (GRCh38, 1-based): chr5:90,697,118, A>G. VCF-style: chr5-90697118-A-G. GRCh37 (hg19) VCF-style: chr5-89992935-A-G.
Identifiers: ClinVar variation 667067 (VCV000667067.11), dbSNP rs1469847535, ClinGen allele CA445405949.
Genomic context (GRCh38, chr5:90,697,118, plus strand): 5'-CACTGTTAGAGTGAACATTTTGGCCAATGACAATGTGGCAGGAATTGTTAGCTTTCAGAC[A>G]GCTTCCAGATCTGTCATAGGTCATGAAGGTGGGTTCCTTTTTTTGTTAAGCATATTCATT-3'
Protein context (NP_115495.3, residues 2699-2719): DNVAGIVSFQ[Thr2709=]ASRSVIGHEG

ClinVar aggregate classification (germline): Likely benign. Review status: criteria provided, multiple submitters, no conflicts (2 of 4 stars). 2 submissions from 2 submitters: Likely benign (2). Last evaluated 2023-11-17.

Allele frequency attached by ClinVar (database versions not stated): gnomAD exomes below 0.00001; TOPMed 0.00001.
gnomAD v4.1: 2 of 1,613,356 alleles (0.00012%); highest among the groups gnomAD compares: Non-Finnish European, 0.00017%; no homozygotes.

Submissions (2):

Labcorp Genetics (formerly Invitae), Labcorp
Classification: Likely benign. Last evaluated: 2023-11-17. Review status: criteria provided, single submitter. Criteria: Invitae Variant Classification Sherloc (09022015). Collection method: clinical testing. Allele origin: germline.

Laboratory for Molecular Medicine, Mass General Brigham Personalized Medicine
Classification: Likely benign. Last evaluated: 2018-08-24. Review status: criteria provided, single submitter. Criteria: LMM Criteria. Collection method: clinical testing. Allele origin: germline. Observed: 1 variant allele.
Comment: The p.Thr2709Thr variant in ADGRV1 is classified as likely benign because it doe s not alter an amino acid residue, it is not located within the splice consensus sequence, and splice prediction algorithms do not predict a newly created splic e site. ACMG/AMP Criteria applied: BP4, BP7, PM2.